The following is an entry in ClinVar:

NM_000094.4(COL7A1):c.7930-1G>C

Gene: COL7A1 (collagen type VII alpha 1 chain; minus strand). Cytogenetic location: 3p21.31.
Variant type: single nucleotide variant.
Coding change: c.7930-1G>C on transcript NM_000094.4 (MANE Select); the canonical splice acceptor site of the intron before coding-DNA position 7930, G replaced by C.
Molecular consequence: splice acceptor variant.
Genome position (GRCh38, 1-based): chr3:48,567,764, C>G on the plus strand (G>C on the coding strand, the complement: COL7A1 is on the minus strand). VCF-style: chr3-48567764-C-G. GRCh37 (hg19) VCF-style: chr3-48605197-C-G.
Identifiers: ClinVar variation 1047947 (VCV001047947.8), dbSNP rs757816953, ClinGen allele CA2378238.
Genomic context (GRCh38, chr3:48,567,764, plus strand): 5'-ACTCACCATCTCTCCTTTGTGTCCTGCCAGCCCGGGGCGGCCTGGGGGACCAGCTTCTCC[C>G]TGCAGGCATCAGGCAGTGGGGTGAGCCTTAGGCCCCAGGCCACGTAGCCCCCCAGCCCCC-3'

ClinVar aggregate classification (germline): Pathogenic. Review status: criteria provided, multiple submitters, no conflicts (2 of 4 stars). 2 submissions from 2 submitters: Pathogenic (2). Last evaluated 2025-04-01.

Conditions:
Epidermolysis bullosa dystrophica. Also called: Dystrophic epidermolysis bullosa, Hallopeau-Siemens type (formerly); Dystrophic epidermolysis bullosa. Identifiers: Orphanet 303, MedGen C0079294, MONDO:0006543.

Allele frequency attached by ClinVar (database versions not stated): gnomAD exomes 0.00001; ExAC 0.00002.
gnomAD v4.1: 4 of 1,614,196 alleles (0.00025%); highest among the groups gnomAD compares: Non-Finnish European, 0.00025%; no homozygotes.

Submissions (2):

CeGaT Center for Human Genetics Tuebingen
Classification: Pathogenic. Last evaluated: 2025-04-01. Review status: criteria provided, single submitter. Criteria: CeGaT Center For Human Genetics Tuebingen Variant Classification Criteria Version 2. Collection method: clinical testing. Allele origin: germline. Affected: yes. Observed: 1 variant allele.
Comment: COL7A1: PM3:Strong, PVS1:Strong, PM2

Biomedical Innovation Departament, CIEMAT
Classification: Pathogenic for Dystrophic epidermolysis bullosa. Last evaluated: 2009-07-13. Review status: criteria provided, single submitter. Criteria: ACMG Guidelines, 2015. Collection method: research. Allele origin: germline. Affected: yes. Observed: 5 variant alleles.

Literature cited by the submitters: PubMed 24252097 (cited by Biomedical Innovation Departament, CIEMAT).